The following is an entry in ClinVar:

ClinVar aggregate classification (germline): Uncertain significance (1 of 4 stars; one submission).

Allele frequency attached by ClinVar (database versions not stated): 1000 Genomes Project 30x 0.00016.
gnomAD v4.1: 54 of 1,552,988 alleles (0.0035%); highest among the groups gnomAD compares: Middle Eastern, 0.017%; no homozygotes.

Submission:

Labcorp Genetics (formerly Invitae), Labcorp
Classification: Uncertain significance. Last evaluated: 2022-03-04. Review status: criteria provided, single submitter. Criteria: Invitae Variant Classification Sherloc (09022015). Collection method: clinical testing. Allele origin: germline.
Comment: The frequency data for this variant in the population databases is considered unreliable, as metrics indicate poor data quality at this position in the gnomAD database. This sequence change falls in intron 1 of the ABHD5 gene. It does not directly change the encoded amino acid sequence of the ABHD5 protein. It affects a nucleotide within the consensus splice site. This variant has not been reported in the literature in individuals affected with ABHD5-related conditions. Variants that disrupt the consensus splice site are a relatively common cause of aberrant splicing (PMID: 17576681, 9536098). Algorithms developed to predict the effect of sequence changes on RNA splicing suggest that this variant is not likely to affect RNA splicing. In summary, the available evidence is currently insufficient to determine the role of this variant in disease. Therefore, it has been classified as a Variant of Uncertain Significance.

Literature cited by the submitters: PubMed 17576681; PubMed 9536098.

NM_016006.6(ABHD5):c.47+6C>A

Genes: ABHD5 (abhydrolase domain containing 5, lysophosphatidic acid acyltransferase; plus strand), ANO10 (anoctamin 10; minus strand). Cytogenetic location: 3p21.33.
Variant type: single nucleotide variant.
Coding change: c.47+6C>A on transcript NM_016006.6 (MANE Select); 6 bases into the intron after coding-DNA position 47, C replaced by A.
Molecular consequence: intron variant.
Genome position (GRCh38, 1-based): chr3:43,691,045, C>A. VCF-style: chr3-43691045-C-A. GRCh37 (hg19) VCF-style: chr3-43732537-C-A.
Other names: c.-12+472G>T (NM_001346469.2, NM_001346468.2); c.47+6C>A (NM_001365650.1, NM_001355186.2).
Identifiers: ClinVar variation 2190391 (VCV002190391.3), dbSNP rs758577205, ClinGen allele CA2341231.
Genomic context (GRCh38, chr3:43,691,045, plus strand): 5'-CGGCGGCTATGGCGGCGGAGGAGGAGGAGGTGGACTCTGCCGACACCGGAGAGAGGTAAG[C>A]GCAGCCGGCAGGGGGCTTCGTGTGTCTCCGGCGCGCACCCTCCGCGCGGGCCGGGTTAGG-3'